The following is an entry in ClinVar:

NM_014727.3(KMT2B):c.475A>T (p.Thr159Ser)

Gene: KMT2B (lysine methyltransferase 2B; plus strand). Cytogenetic location: 19q13.12.
Variant type: single nucleotide variant.
Coding change: c.475A>T on transcript NM_014727.3 (MANE Select); coding-DNA position 475, A replaced by T.
Protein change: p.Thr159Ser; replaces threonine 159 with serine.
Molecular consequence: missense variant.
Genome position (GRCh38, 1-based): chr19:35,719,822, A>T. VCF-style: chr19-35719822-A-T. GRCh37 (hg19) VCF-style: chr19-36210724-A-T.
Other names: c.475A>T (NM_014727.1, NM_014727.2); short protein forms T159S.
Identifiers: ClinVar variation 1942865 (VCV001942865.7), dbSNP rs761943372, ClinGen allele CA9384032.

ClinVar aggregate classification (germline): Conflicting classifications of pathogenicity. Review status: criteria provided, conflicting classifications (1 of 4 stars). 3 submissions from 3 submitters: Uncertain significance (2); Likely benign (1). Last evaluated 2025-12-05.

Conditions:
Inborn genetic diseases. Identifiers: MedGen C0950123, MeSH D030342.

Allele frequency attached by ClinVar (database versions not stated): TOPMed below 0.00001; ExAC 0.00001; gnomAD exomes 0.00001.
gnomAD v4.1: 5 of 1,606,902 alleles (0.00031%); highest among the groups gnomAD compares: Admixed American, 0.0085%; no homozygotes.

Submissions (3):

Labcorp Genetics (formerly Invitae), Labcorp
Classification: Likely benign. Last evaluated: 2025-12-05. Review status: criteria provided, single submitter. Criteria: Invitae Variant Classification Sherloc (09022015). Collection method: clinical testing. Allele origin: germline.

Ambry Genetics
Classification: Uncertain significance for Inborn genetic diseases. Last evaluated: 2024-02-13. Review status: criteria provided, single submitter. Criteria: Ambry Variant Classification Scheme 2023. Collection method: clinical testing. Allele origin: germline.

GeneDx
Classification: Uncertain significance. Last evaluated: 2022-10-03. Review status: criteria provided, single submitter. Criteria: GeneDx Variant Classification Process June 2021. Collection method: clinical testing. Allele origin: germline. Affected: yes.
Comment: In silico analysis supports that this missense variant does not alter protein structure/function; Has not been previously published as pathogenic or benign to our knowledge